The following is an entry in ClinVar:

ClinVar aggregate classification (germline): Uncertain significance (1 of 4 stars; one submission).

Submission:

Women's Health and Genetics/Laboratory Corporation of America, LabCorp
Classification: Uncertain significance. Last evaluated: 2023-05-04. Review status: criteria provided, single submitter. Criteria: LabCorp Variant Classification Summary - May 2015. Collection method: clinical testing. Allele origin: germline.
Comment: Variant summary: PIK3R1 c.1073G>A (p.Arg358Gln) results in a conservative amino acid change located in the SH2 domain (IPR000980) of the encoded protein sequence. Four of five in-silico tools predict a damaging effect of the variant on protein function. The variant was absent in 251350 control chromosomes (gnomAD). The available data on variant occurrences in the general population are insufficient to allow any conclusion about variant significance. To our knowledge, no occurrence of c.1073G>A in individuals affected with SHORT Syndrome and no experimental evidence demonstrating its impact on protein function have been reported. No clinical diagnostic laboratories have submitted clinical-significance assessments for this variant to ClinVar after 2014. Based on the evidence outlined above, the variant was classified as uncertain significance.

NM_181523.3(PIK3R1):c.1073G>A (p.Arg358Gln)

Gene: PIK3R1 (phosphoinositide-3-kinase regulatory subunit 1; plus strand). Cytogenetic location: 5q13.1.
Variant type: single nucleotide variant.
Coding change: c.1073G>A on transcript NM_181523.3 (MANE Select); coding-DNA position 1073, G replaced by A.
Protein change: p.Arg358Gln; replaces arginine 358 with glutamine.
Molecular consequence: missense variant. On other transcripts: 5 prime UTR variant (1).
Genome position (GRCh38, 1-based): chr5:68,293,154, G>A. VCF-style: chr5-68293154-G-A. GRCh37 (hg19) VCF-style: chr5-67588982-G-A.
Other names: c.-17G>A (NM_001242466.2); c.263G>A, p.Arg88Gln (NM_181504.4); c.173G>A, p.Arg58Gln (NM_181524.2); short protein forms R358Q, R58Q, R88Q.
Identifiers: ClinVar variation 2506115 (VCV002506115.1), dbSNP rs2112253504, ClinGen allele CA359879168.